The following is an entry in ClinVar:

NM_000092.5(COL4A4):c.3784G>C (p.Asp1262His)

Gene: COL4A4 (collagen type IV alpha 4 chain; minus strand). Cytogenetic location: 2q36.3.
Variant type: single nucleotide variant.
Coding change: c.3784G>C on transcript NM_000092.5 (MANE Select); coding-DNA position 3784, G replaced by C.
Protein change: p.Asp1262His; replaces aspartic acid 1262 with histidine.
Molecular consequence: missense variant.
Genome position (GRCh38, 1-based): chr2:227,031,978, C>G on the plus strand (G>C on the coding strand, the complement: COL4A4 is on the minus strand). VCF-style: chr2-227031978-C-G. GRCh37 (hg19) VCF-style: chr2-227896694-C-G.
Other names: short protein forms D1262H.
Identifiers: ClinVar variation 4854528 (VCV004854528.1).

ClinVar aggregate classification (germline): Uncertain significance (1 of 4 stars; one submission).

Conditions:
Autosomal recessive Alport syndrome (ATS2). Also called: COL4A4 Alport Syndrome and Thin Basement Membrane Nephropathy; ALPORT SYNDROME 2, AUTOSOMAL RECESSIVE; Alport syndrome type 2; COL4A3-Related Nephropathy. Identifiers: Orphanet 63, Orphanet 88919, MedGen C4746745, MONDO:0008762, OMIM 203780.

Submission:

3billion
Classification: Uncertain significance for Autosomal recessive Alport syndrome. Last evaluated: 2026-01-13. Review status: criteria provided, single submitter. Criteria: ACMG Guidelines, 2015. Collection method: clinical testing. Allele origin: germline. Affected: yes.
Comment: The variant is not observed in the gnomAD v4.1.0 dataset. Predicted Consequence/Location: The variant is located in a mutational hot spot and/or well-established functional domain in which established pathogenic variants have been reported (PMID: 30311386). Damaging effect on gene or gene product predicted by in silico programs is uncertain [REVEL: 0.58 (damaging >=0.6, benign <0.4), 3Cnet: 0.54 (damaging >0.75, benign <0.1)]. Therefore, this variant is classified as VUS according to the recommendation of ACMG/AMP guideline.